The following is an entry in ClinVar:

NM_001365276.2(TNXB):c.9527G>C (p.Gly3176Ala)

Gene: TNXB (tenascin XB; minus strand). Cytogenetic location: 6p21.33.
Variant type: single nucleotide variant.
Coding change: c.9527G>C on transcript NM_001365276.2 (MANE Select); coding-DNA position 9527, G replaced by C.
Protein change: p.Gly3176Ala; replaces glycine 3176 with alanine.
Molecular consequence: missense variant.
Genome position (GRCh38, 1-based): chr6:32,049,500, C>G on the plus strand (G>C on the coding strand, the complement: TNXB is on the minus strand). VCF-style: chr6-32049500-C-G. GRCh37 (hg19) VCF-style: chr6-32017277-C-G.
Other names: c.10268G>C, p.Gly3423Ala (NM_001428335.1); c.9521G>C, p.Gly3174Ala (NM_019105.8); short protein forms G3174A, G3176A, G3423A.
Identifiers: ClinVar variation 3227364 (VCV003227364.1), dbSNP rs2483425120, ClinGen allele CA363539319.

ClinVar aggregate classification (germline): Uncertain significance (1 of 4 stars; one submission).

Conditions:
Cardiovascular phenotype. Identifiers: MedGen CN230736.

Allele frequency attached by ClinVar (database versions not stated): gnomAD exomes below 0.00001.
gnomAD v4.1: 2 of 1,612,542 alleles (0.00012%); highest among the groups gnomAD compares: Non-Finnish European, 0.00017%; no homozygotes.

Submission:

Ambry Genetics
Classification: Uncertain significance for Cardiovascular phenotype. Last evaluated: 2023-11-02. Review status: criteria provided, single submitter. Criteria: Ambry Variant Classification Scheme 2023. Collection method: clinical testing. Allele origin: germline.
Comment: The p.G3174A variant (also known as c.9521G>C), located in coding exon 27 of the TNXB gene, results from a G to C substitution at nucleotide position 9521. The glycine at codon 3174 is replaced by alanine, an amino acid with similar properties. This amino acid position is conserved. In addition, this alteration is predicted to be tolerated by in silico analysis. Since supporting evidence is limited at this time, the clinical significance of this alteration remains unclear.